The following is an entry in ClinVar:

ClinVar aggregate classification (germline): Uncertain significance. Review status: criteria provided, multiple submitters, no conflicts (2 of 4 stars). 2 submissions from 2 submitters: Uncertain significance (2). Last evaluated 2022-04-10.

Conditions:
DICER1-related tumor predisposition. Also called: DICER1 syndrome; DICER1-related pleuropulmonary blastoma cancer predisposition syndrome. Identifiers: Orphanet 284343, MedGen C3839822, MONDO:0100216.
Hereditary cancer-predisposing syndrome. Also called: Neoplastic Syndromes, Hereditary; Tumor predisposition; Hereditary Cancer Syndrome; Hereditary neoplastic syndrome. Identifiers: Orphanet 140162, MedGen C0027672, MeSH D009386, MONDO:0015356.

Submissions (2):

Labcorp Genetics (formerly Invitae), Labcorp
Classification: Uncertain significance for DICER1-related tumor predisposition. Last evaluated: 2022-04-10. Review status: criteria provided, single submitter. Criteria: Invitae Variant Classification Sherloc (09022015). Collection method: clinical testing. Allele origin: germline.
Comment: This variant is not present in population databases (gnomAD no frequency). This variant has not been reported in the literature in individuals affected with DICER1-related conditions. Algorithms developed to predict the effect of missense changes on protein structure and function (SIFT, PolyPhen-2, Align-GVGD) all suggest that this variant is likely to be tolerated. In summary, the available evidence is currently insufficient to determine the role of this variant in disease. Therefore, it has been classified as a Variant of Uncertain Significance. This sequence change replaces proline, which is neutral and non-polar, with leucine, which is neutral and non-polar, at codon 1646 of the DICER1 protein (p.Pro1646Leu).

Ambry Genetics
Classification: Uncertain significance for Hereditary cancer-predisposing syndrome. Last evaluated: 2022-02-12. Review status: criteria provided, single submitter. Criteria: Ambry Variant Classification Scheme 2023. Collection method: clinical testing. Allele origin: germline.
Comment: The p.P1646L variant (also known as c.4937C>T), located in coding exon 22 of the DICER1 gene, results from a C to T substitution at nucleotide position 4937. The proline at codon 1646 is replaced by leucine, an amino acid with similar properties. This amino acid position is conserved. In addition, this alteration is predicted to be deleterious by in silico analysis. Since supporting evidence is limited at this time, the clinical significance of this alteration remains unclear.

NM_177438.3(DICER1):c.4937C>T (p.Pro1646Leu)

Gene: DICER1 (dicer 1, ribonuclease III; minus strand). Cytogenetic location: 14q32.13.
Variant type: single nucleotide variant.
Coding change: c.4937C>T on transcript NM_177438.3 (MANE Select); coding-DNA position 4937, C replaced by T.
Protein change: p.Pro1646Leu; replaces proline 1646 with leucine.
Molecular consequence: missense variant. On other transcripts: non-coding transcript variant (6).
Genome position (GRCh38, 1-based): chr14:95,095,983, G>A on the plus strand (C>T on the coding strand, the complement: DICER1 is on the minus strand). VCF-style: chr14-95095983-G-A. GRCh37 (hg19) VCF-style: chr14-95562320-G-A.
Other names: c.4937C>T, p.Pro1646Leu (NM_001195573.1, NM_001271282.3, NM_001291628.2 and 13 more transcripts); c.4655C>T, p.Pro1552Leu (NM_001395686.1); c.4532C>T, p.Pro1511Leu (NM_001395687.1, NM_001395688.1, NM_001395689.1 and 2 more transcripts); c.4370C>T, p.Pro1457Leu (NM_001395691.1); c.3254C>T, p.Pro1085Leu (NM_001395697.1); short protein forms P1646L, P1511L, P1085L, P1457L, P1552L.
Identifiers: ClinVar variation 1744235 (VCV001744235.7), dbSNP rs2542480186, ClinGen allele CA390866273.
Genomic context (GRCh38, chr14:95,095,983, plus strand): 5'-AACCCCGATATAAGGTGATTCAGTGTTTTATCTGCATCTGGATGATCAAACATACATCTT[G>A]GTGGAATCTTCAAACAACCATATTCCGAGTCTTTCAATACAGAAGAGCGTGAACTGGCCA-3'
Protein context (NP_803187.1, residues 1636-1656): DSEYGCLKIP[Pro1646Leu]RCMFDHPDAD